The following is an entry in ClinVar:

NM_019032.6(ADAMTSL4):c.2177+4A>G

Genes: ADAMTSL4 (ADAMTS like 4; plus strand), ADAMTSL4-AS2 (ADAMTSL4 antisense RNA 2; minus strand). Cytogenetic location: 1q21.2.
Variant type: single nucleotide variant.
Coding change: c.2177+4A>G on transcript NM_019032.6 (MANE Select); 4 bases into the intron after coding-DNA position 2177, A replaced by G.
Molecular consequence: intron variant.
Genome position (GRCh38, 1-based): chr1:150,557,627, A>G. VCF-style: chr1-150557627-A-G. GRCh37 (hg19) VCF-style: chr1-150530103-A-G.
Other names: c.2246+4A>G (NM_001288608.2); c.2060+4A>G (NM_001288607.2); c.2177+4A>G (NM_001378596.1, NM_025008.5).
Identifiers: ClinVar variation 3893363 (VCV003893363.1).

ClinVar aggregate classification (germline): Uncertain significance (1 of 4 stars; one submission).

Submission:

GeneDx
Classification: Uncertain significance. Last evaluated: 2024-10-24. Review status: criteria provided, single submitter. Criteria: GeneDx Variant Classification Process June 2021. Collection method: clinical testing. Allele origin: germline. Affected: yes.
Comment: In silico analysis supports a deleterious effect on splicing; This variant is associated with the following publications: (PMID: 34818515)